The following is an entry in ClinVar:

NM_032444.4(SLX4):c.4668del (p.Val1558fs)

Gene: SLX4 (SLX4 structure-specific endonuclease subunit; minus strand). Cytogenetic location: 16p13.3.
Variant type: Deletion.
Coding change: c.4668del on transcript NM_032444.4 (MANE Select); coding-DNA position 4668, one base deleted (C; older notation c.4668delC).
Protein change: p.Val1558fs; shifts the reading frame from valine 1558.
Molecular consequence: frameshift variant.
Genome position (GRCh38, 1-based): chr16:3,584,840, G deleted on the plus strand (C on the coding strand, the reverse complement: SLX4 is on the minus strand); the first of 6 consecutive G bases (chr16:3,584,840-3,584,845); deleting any one gives the same sequence. VCF-style (leftmost placement, unchanged base first): chr16-3584839-TG-T. GRCh37 (hg19) VCF-style: chr16-3634840-TG-T.
Other names: short protein forms V1558fs.
Identifiers: ClinVar variation 1947544 (VCV001947544.5), dbSNP rs752736478, ClinGen allele CA645585529.
Genomic context (GRCh38, chr16:3,584,839, plus strand): 5'-CCTTCTTCAGCACCGGCGTCTCCATAATGGAATACTGTGGCATCGGCGTTATGGGCACTT[TG>T]GGGGGCAAGTTCTTCTTCCGATTAGCACCTTCTGGGTAAAACAAAAGAAGCACACGTTTT-3'

ClinVar aggregate classification (germline): Pathogenic (1 of 4 stars; one submission).

Conditions:
Fanconi anemia (FA). Also called: Fanconi's anemia. Identifiers: Orphanet 84, MedGen C0015625, MeSH D005199, MONDO:0019391.

Submission:

Labcorp Genetics (formerly Invitae), Labcorp
Classification: Pathogenic for Fanconi anemia. Last evaluated: 2023-02-21. Review status: criteria provided, single submitter. Criteria: Invitae Variant Classification Sherloc (09022015). Collection method: clinical testing. Allele origin: germline.
Comment: This sequence change creates a premature translational stop signal (p.Val1558Cysfs*3) in the SLX4 gene. It is expected to result in an absent or disrupted protein product. Loss-of-function variants in SLX4 are known to be pathogenic (PMID: 21240277). This variant is not present in population databases (gnomAD no frequency). This variant has not been reported in the literature in individuals affected with SLX4-related conditions. For these reasons, this variant has been classified as Pathogenic.

Literature cited by the submitters: PubMed 21240277.